The following is an entry in ClinVar:

NM_001354930.2(RIPK1):c.326G>A (p.Ser109Asn)

Gene: RIPK1 (receptor interacting serine/threonine kinase 1; plus strand). Cytogenetic location: 6p25.2.
Variant type: single nucleotide variant.
Coding change: c.326G>A on transcript NM_001354930.2 (MANE Select); coding-DNA position 326, G replaced by A.
Protein change: p.Ser109Asn; replaces serine 109 with asparagine.
Molecular consequence: missense variant. On other transcripts: 5 prime UTR variant (4), intron variant (1).
Genome position (GRCh38, 1-based): chr6:3,080,983, G>A. VCF-style: chr6-3080983-G-A. GRCh37 (hg19) VCF-style: chr6-3081217-G-A.
Other names: c.-278G>A (NM_001317061.3, NM_001354932.2, NM_001354933.2 and 1 more transcripts); c.326G>A, p.Ser109Asn (NM_003804.6); c.322-2102G>A (NM_001354931.2); short protein forms S109N.
Identifiers: ClinVar variation 2101256 (VCV002101256.4), dbSNP rs2533181396, ClinGen allele CA362576225.

ClinVar aggregate classification (germline): Uncertain significance (1 of 4 stars; one submission).

Submission:

Labcorp Genetics (formerly Invitae), Labcorp
Classification: Uncertain significance. Last evaluated: 2025-10-01. Review status: criteria provided, single submitter. Criteria: Invitae Variant Classification Sherloc (09022015). Collection method: clinical testing. Allele origin: germline.
Comment: This sequence change replaces serine, which is neutral and polar, with asparagine, which is neutral and polar, at codon 109 of the RIPK1 protein (p.Ser109Asn). This variant is not present in population databases (gnomAD no frequency). This variant has not been reported in the literature in individuals affected with RIPK1-related conditions. ClinVar contains an entry for this variant (Variation ID: 2101256). An algorithm developed to predict the effect of missense changes on protein structure and function outputs the following: PolyPhen-2: "Benign". The asparagine amino acid residue is found in multiple mammalian species, which suggests that this missense change does not adversely affect protein function. In summary, the available evidence is currently insufficient to determine the role of this variant in disease. Therefore, it has been classified as a Variant of Uncertain Significance.